The following is an entry in ClinVar:

NM_001267550.2(TTN):c.25639+1G>T

Gene: TTN (titin; minus strand). Cytogenetic location: 2q31.2.
Variant type: single nucleotide variant.
Coding change: c.25639+1G>T on transcript NM_001267550.2 (MANE Select); the canonical splice donor site of the intron after coding-DNA position 25639, G replaced by T.
Molecular consequence: splice donor variant. On other transcripts: intron variant (3).
Genome position (GRCh38, 1-based): chr2:178,717,094, C>A on the plus strand (G>T on the coding strand, the complement: TTN is on the minus strand). VCF-style: chr2-178717094-C-A. GRCh37 (hg19) VCF-style: chr2-179581821-C-A.
Other names: c.25639+1G>T (NM_001267550.1); c.13282+20988G>T (NM_003319.4); c.13858+20988G>T (NM_133437.4); c.13657+20988G>T (NM_133432.3); c.21907+1G>T (NM_133378.4); c.24688+1G>T (NM_001256850.1).
Identifiers: ClinVar variation 2437587 (VCV002437587.5), dbSNP rs1220111705, ClinGen allele CA349483500.

ClinVar aggregate classification (germline): Conflicting classifications of pathogenicity. Review status: criteria provided, conflicting classifications (1 of 4 stars). 3 submissions from 3 submitters: Likely pathogenic (1); Uncertain significance (2). Last evaluated 2025-05-14.

Conditions:
Dilated cardiomyopathy 1G (CMD1G). Identifiers: Orphanet 154, MedGen C1858763, MONDO:0011400, OMIM 604145.
Autosomal recessive limb-girdle muscular dystrophy type 2J (LGMDR10). Also called: MUSCULAR DYSTROPHY, LIMB-GIRDLE, AUTOSOMAL RECESSIVE 10; Limb-girdle muscular dystrophy, type 2J. Identifiers: Orphanet 140922, MedGen C1837342, MONDO:0012127, OMIM 608807.

Allele frequency attached by ClinVar (database versions not stated): gnomAD exomes below 0.00001.
gnomAD v4.1: 5 of 1,608,342 alleles (0.00031%); highest among the groups gnomAD compares: Non-Finnish European, 0.00043%; no homozygotes.

Submissions (3):

Labcorp Genetics (formerly Invitae), Labcorp
Classification: Likely pathogenic for Dilated cardiomyopathy 1G; Autosomal recessive limb-girdle muscular dystrophy type 2J. Last evaluated: 2025-05-14. Review status: criteria provided, single submitter. Criteria: Invitae Variant Classification Sherloc (09022015). Collection method: clinical testing. Allele origin: germline.
Comment: This sequence change affects a donor splice site in intron 88 of the TTN gene. It is expected to disrupt RNA splicing and likely results in a truncated or disrupted TTN protein. The frequency data for this variant in the population databases is considered unreliable, as metrics indicate poor data quality at this position in the gnomAD database. This variant has not been reported in the literature in individuals affected with TTN-related conditions. ClinVar contains an entry for this variant (Variation ID: 2437587). Algorithms developed to predict the effect of sequence changes on RNA splicing suggest that this variant may disrupt the consensus splice site. This variant is located in the I band of TTN (PMID: 25589632). Truncating variants in this region have been reported in individuals affected with autosomal recessive centronuclear myopathy (PMID: 23975875, internal data). Truncating variants in this region have also been identified in individuals affected with autosomal dominant dilated cardiomyopathy and/or cardio-related conditions (PMID: 27869827, 32964742, internal data). In summary, the currently available evidence indicates that the variant is pathogenic, but additional data are needed to prove that conclusively. Therefore, this variant has been classified as Likely Pathogenic.

Athena Diagnostics
Classification: Uncertain significance. Last evaluated: 2024-10-29. Review status: criteria provided, single submitter. Criteria: Athena Diagnostics Criteria. Collection method: clinical testing. Allele origin: unknown.

Revvity Omics, Revvity
Classification: Uncertain significance. Last evaluated: 2021-09-16. Review status: criteria provided, single submitter. Criteria: ACMG Guidelines, 2015. Collection method: clinical testing. Allele origin: germline.

Literature cited by the submitters: PubMed 25589632 (cited by Labcorp Genetics (formerly Invitae), Labcorp); PubMed 23975875 (cited by Labcorp Genetics (formerly Invitae), Labcorp); PubMed 27869827 (cited by Labcorp Genetics (formerly Invitae), Labcorp); PubMed 32964742 (cited by Labcorp Genetics (formerly Invitae), Labcorp); PubMed 30615648 (cited by Athena Diagnostics).